The following is an entry in ClinVar:

NM_005857.5(ZMPSTE24):c.357+114A>G

Gene: ZMPSTE24 (zinc metallopeptidase STE24; plus strand). Cytogenetic location: 1p34.2.
Variant type: single nucleotide variant.
Coding change: c.357+114A>G on transcript NM_005857.5 (MANE Select); 114 bases into the intron after coding-DNA position 357, A replaced by G.
Molecular consequence: intron variant.
Genome position (GRCh38, 1-based): chr1:40,267,986, A>G. VCF-style: chr1-40267986-A-G. GRCh37 (hg19) VCF-style: chr1-40733658-A-G.
Other names: c.357+114A>G (LRG_212t1).
Identifiers: ClinVar variation 140525 (VCV000140525.4), dbSNP rs7516571, ClinGen allele CA232747.

ClinVar aggregate classification (germline): Benign. Review status: criteria provided, multiple submitters, no conflicts (2 of 4 stars). 3 submissions from 3 submitters: Benign (2). 1 of the submissions does not count toward it. Last evaluated 2018-11-13.

Allele frequency attached by ClinVar (database versions not stated): gnomAD 0.25305 and 0.25626; gnomAD exomes 0.24527; 1000 Genomes Project 30x 0.22158; 1000 Genomes Project 0.22264; TOPMed 0.24424.
gnomAD v4.1: 218,804 of 888,632 alleles (25%); highest among the groups gnomAD compares: African/African-American, 27%; 27,870 homozygotes.

Submissions (3):

GeneDx
Classification: Benign. Last evaluated: 2018-11-13. Review status: criteria provided, single submitter. Criteria: GeneDx Variant Classification Process June 2021. Collection method: clinical testing. Allele origin: germline. Affected: yes.

Breakthrough Genomics
Classification: Benign. Review status: criteria provided, single submitter. Criteria: ACMG Guidelines, 2015. Collection method: not provided. Allele origin: germline. Inheritance: Autosomal recessive inheritance. Affected: yes.

ZMPSTE24 homepage - Leiden Muscular Dystrophy pages
No classification provided. Review status: no classification provided. Collection method: not provided. Allele origin: germline. Not counted in ClinVar's aggregate classification.
Comment: no known functional consequence